The following is an entry in ClinVar:

NM_004369.4(COL6A3):c.1336A>G (p.Ile446Val)

Gene: COL6A3 (collagen type VI alpha 3 chain; minus strand). Cytogenetic location: 2q37.3.
Variant type: single nucleotide variant.
Coding change: c.1336A>G on transcript NM_004369.4 (MANE Select); coding-DNA position 1336, A replaced by G.
Protein change: p.Ile446Val; replaces isoleucine 446 with valine.
Molecular consequence: missense variant.
Genome position (GRCh38, 1-based): chr2:237,381,476, T>C on the plus strand (A>G on the coding strand, the complement: COL6A3 is on the minus strand). VCF-style: chr2-237381476-T-C. GRCh37 (hg19) VCF-style: chr2-238290119-T-C.
Other names: c.115A>G, p.Ile39Val (NM_057164.5, NM_057166.5); c.718A>G, p.Ile240Val (NM_057165.5, NM_057167.4); short protein forms I240V, I39V, I446V.
Identifiers: ClinVar variation 3672481 (VCV003672481.2).

ClinVar aggregate classification (germline): Uncertain significance (1 of 4 stars; one submission).

Conditions:
Bethlem myopathy 1A. Also called: MYOPATHY, BENIGN CONGENITAL, WITH CONTRACTURES; Bethlem myopathy 1; Bethlem Muscular Dystrophy. Identifiers: Orphanet 610, MedGen CN029274, MONDO:0024530, OMIM 158810.

Submission:

Labcorp Genetics (formerly Invitae), Labcorp
Classification: Uncertain significance for Bethlem myopathy 1A. Last evaluated: 2025-03-27. Review status: criteria provided, single submitter. Criteria: Invitae Variant Classification Sherloc (09022015). Collection method: clinical testing. Allele origin: germline.
Comment: This sequence change replaces isoleucine, which is neutral and non-polar, with valine, which is neutral and non-polar, at codon 446 of the COL6A3 protein (p.Ile446Val). This variant is not present in population databases (gnomAD no frequency). This variant has not been reported in the literature in individuals affected with COL6A3-related conditions. Invitae Evidence Modeling of protein sequence and biophysical properties (such as structural, functional, and spatial information, amino acid conservation, physicochemical variation, residue mobility, and thermodynamic stability) indicates that this missense variant is not expected to disrupt COL6A3 protein function with a negative predictive value of 95%. In summary, the available evidence is currently insufficient to determine the role of this variant in disease. Therefore, it has been classified as a Variant of Uncertain Significance.